The following is an entry in ClinVar:

ClinVar aggregate classification (germline): Uncertain significance (1 of 4 stars; one submission).

Conditions:
Bloom syndrome (BLM). Also called: Bloom-Torre-Machacek syndrome. Identifiers: Orphanet 125, MedGen C0005859, MONDO:0008876, OMIM 210900.

Allele frequency attached by ClinVar (database versions not stated): gnomAD exomes below 0.00001.
gnomAD v4.1: 1 of 1,612,816 alleles (0.000062%); highest among the groups gnomAD compares: Non-Finnish European, 0.000085%; no homozygotes.

Submission:

Labcorp Genetics (formerly Invitae), Labcorp
Classification: Uncertain significance for Bloom syndrome. Last evaluated: 2024-07-15. Review status: criteria provided, single submitter. Criteria: Invitae Variant Classification Sherloc (09022015). Collection method: clinical testing. Allele origin: germline.
Comment: This sequence change replaces alanine, which is neutral and non-polar, with glycine, which is neutral and non-polar, at codon 1250 of the BLM protein (p.Ala1250Gly). This variant is not present in population databases (gnomAD no frequency). This variant has not been reported in the literature in individuals affected with BLM-related conditions. An algorithm developed to predict the effect of missense changes on protein structure and function (PolyPhen-2) suggests that this variant is likely to be disruptive. In summary, the available evidence is currently insufficient to determine the role of this variant in disease. Therefore, it has been classified as a Variant of Uncertain Significance.

NM_000057.4(BLM):c.3749C>G (p.Ala1250Gly)

Gene: BLM (BLM RecQ like helicase; plus strand). Cytogenetic location: 15q26.1.
Variant type: single nucleotide variant.
Coding change: c.3749C>G on transcript NM_000057.4 (MANE Select); coding-DNA position 3749, C replaced by G.
Protein change: p.Ala1250Gly; replaces alanine 1250 with glycine.
Molecular consequence: missense variant. On other transcripts: intron variant (1).
Genome position (GRCh38, 1-based): chr15:90,804,357, C>G. VCF-style: chr15-90804357-C-G. GRCh37 (hg19) VCF-style: chr15-91347587-C-G.
Other names: c.3749C>G, p.Ala1250Gly (NM_001287246.2); c.2624C>G, p.Ala875Gly (NM_001287248.2); c.3359-4780C>G (NM_001287247.2); short protein forms A1250G, A875G.
Identifiers: ClinVar variation 2828574 (VCV002828574.3), dbSNP rs2151195020, ClinGen allele CA393848311.